The following is an entry in ClinVar:

ClinVar aggregate classification (germline): Uncertain significance (1 of 4 stars; one submission).

Conditions:
Hypertrophic cardiomyopathy 26. Also called: Cardiomyopathy, familial hypertrophic, 26. Identifiers: Orphanet 75249, MedGen C4310749, MONDO:0014883, OMIM 617047.
Myofibrillar myopathy 5. Also called: Filaminopathy (type); FILAMINOPATHY, AUTOSOMAL DOMINANT. Identifiers: Orphanet 171445, MedGen C1836050, MONDO:0012289, OMIM 609524.
Distal myopathy with posterior leg and anterior hand involvement. Also called: WILLIAMS DISTAL MYOPATHY. Identifiers: Orphanet 63273, MedGen C3279722, MONDO:0013550, OMIM 614065.

Allele frequency attached by ClinVar (database versions not stated): gnomAD exomes below 0.00001; ExAC 0.00001.
gnomAD v4.1: 2 of 1,614,068 alleles (0.00012%); highest among the groups gnomAD compares: Non-Finnish European, 0.00017%; no homozygotes.

Submission:

Labcorp Genetics (formerly Invitae), Labcorp
Classification: Uncertain significance for Distal myopathy with posterior leg and anterior hand involvement; Myofibrillar myopathy 5; Hypertrophic cardiomyopathy 26. Last evaluated: 2023-05-05. Review status: criteria provided, single submitter. Criteria: Invitae Variant Classification Sherloc (09022015). Collection method: clinical testing. Allele origin: germline.
Comment: In summary, the available evidence is currently insufficient to determine the role of this variant in disease. Therefore, it has been classified as a Variant of Uncertain Significance. Advanced modeling of protein sequence and biophysical properties (such as structural, functional, and spatial information, amino acid conservation, physicochemical variation, residue mobility, and thermodynamic stability) performed at Invitae indicates that this missense variant is not expected to disrupt FLNC protein function. This variant has not been reported in the literature in individuals affected with FLNC-related conditions. This variant is present in population databases (rs764968138, gnomAD 0.0009%). This sequence change replaces alanine, which is neutral and non-polar, with threonine, which is neutral and polar, at codon 2567 of the FLNC protein (p.Ala2567Thr).

NM_001458.5(FLNC):c.7699G>A (p.Ala2567Thr)

Genes: FLNC (filamin C; plus strand), FLNC-AS1 (FLNC antisense RNA 1; minus strand). Cytogenetic location: 7q32.1.
Variant type: single nucleotide variant.
Coding change: c.7699G>A on transcript NM_001458.5 (MANE Select); coding-DNA position 7699, G replaced by A.
Protein change: p.Ala2567Thr; replaces alanine 2567 with threonine.
Molecular consequence: missense variant.
Genome position (GRCh38, 1-based): chr7:128,857,255, G>A. VCF-style: chr7-128857255-G-A. GRCh37 (hg19) VCF-style: chr7-128497309-G-A.
Other names: c.7600G>A, p.Ala2534Thr (NM_001127487.2); short protein forms A2567T, A2534T.
Identifiers: ClinVar variation 2947493 (VCV002947493.3), dbSNP rs764968138, ClinGen allele CA4476338.